The following is an entry in ClinVar:

NM_001854.4(COL11A1):c.4302+219T>G

Gene: COL11A1 (collagen type XI alpha 1 chain; minus strand). Cytogenetic location: 1p21.1.
Variant type: single nucleotide variant.
Coding change: c.4302+219T>G on transcript NM_001854.4 (MANE Select); 219 bases into the intron after coding-DNA position 4302, T replaced by G.
Molecular consequence: intron variant.
Genome position (GRCh38, 1-based): chr1:102,897,906, A>C on the plus strand (T>G on the coding strand, the complement: COL11A1 is on the minus strand). VCF-style: chr1-102897906-A-C. GRCh37 (hg19) VCF-style: chr1-103363462-A-C.
Other names: c.4185+219T>G (NM_001190709.2); c.4338+219T>G (NM_080629.3); c.3954+219T>G (NM_080630.4).
Identifiers: ClinVar variation 677983 (VCV000677983.1), dbSNP rs191669198, ClinGen allele CA27662054.

ClinVar aggregate classification (germline): Likely benign (1 of 4 stars; one submission).

Allele frequency attached by ClinVar (database versions not stated): 1000 Genomes Project 30x 0.00078; 1000 Genomes Project 0.00080; TOPMed 0.00163; gnomAD 0.00375 and 0.00392.
gnomAD v4.1: 561 of 152,262 alleles (0.37%); highest among the groups gnomAD compares: Admixed American, 0.63%; 9 homozygotes.

Submission:

GeneDx
Classification: Likely benign. Last evaluated: 2018-06-19. Review status: criteria provided, single submitter. Criteria: GeneDx Variant Classification (06012015). Collection method: clinical testing. Allele origin: germline. Affected: yes.
Comment: This variant is considered likely benign or benign based on one or more of the following criteria: it is a conservative change, it occurs at a poorly conserved position in the protein, it is predicted to be benign by multiple in silico algorithms, and/or has population frequency not consistent with disease.